The following is an entry in ClinVar:

ClinVar aggregate classification (germline): Uncertain significance (1 of 4 stars; one submission).

Submission:

OLLIN Analises Genomicas, OLLIN
Classification: Uncertain significance. Last evaluated: 2026-08-06. Review status: criteria provided, single submitter. Criteria: ACMG Guidelines 2015 PMID 25741868. Collection method: clinical testing. Allele origin: germline.
Comment: This variant is absent from gnomAD and ClinVar and has not been found in the scientific literature. According to the currently available evidence, this variant has been classified as uncertain significance (PM2_P).

NM_182710.3(KAT5):c.385-48C>T

Gene: KAT5 (lysine acetyltransferase 5; plus strand). Cytogenetic location: 11q13.1.
Variant type: single nucleotide variant.
Coding change: c.385-48C>T on transcript NM_182710.3 (MANE Select); 48 bases into the intron before coding-DNA position 385, C replaced by T.
Molecular consequence: intron variant.
Genome position (GRCh38, 1-based): chr11:65,713,300, C>T. VCF-style: chr11-65713300-C-T. GRCh37 (hg19) VCF-style: chr11-65480771-C-T.
Other names: c.384+242C>T (NM_001206833.2); c.286-48C>T (NM_006388.4); c.285+242C>T (NM_182709.3).
Identifiers: ClinVar variation 5003114 (VCV005003114.1).